The following is an entry in ClinVar:

ClinVar aggregate classification (germline): Uncertain significance (1 of 4 stars; one submission).

Conditions:
Hypertrophic cardiomyopathy 14. Identifiers: MedGen C2750467, MONDO:0013197, OMIM 613251.

Submission:

Labcorp Genetics (formerly Invitae), Labcorp
Classification: Uncertain significance for Hypertrophic cardiomyopathy 14. Last evaluated: 2022-07-19. Review status: criteria provided, single submitter. Criteria: Invitae Variant Classification Sherloc (09022015). Collection method: clinical testing. Allele origin: germline.
Comment: This sequence change replaces glutamic acid, which is acidic and polar, with lysine, which is basic and polar, at codon 1043 of the MYH6 protein (p.Glu1043Lys). In summary, the available evidence is currently insufficient to determine the role of this variant in disease. Therefore, it has been classified as a Variant of Uncertain Significance. Algorithms developed to predict the effect of missense changes on protein structure and function (SIFT, PolyPhen-2, Align-GVGD) all suggest that this variant is likely to be tolerated. ClinVar contains an entry for this variant (Variation ID: 537948). This variant has not been reported in the literature in individuals affected with MYH6-related conditions. This variant is not present in population databases (gnomAD no frequency).

NM_002471.4(MYH6):c.3127G>A (p.Glu1043Lys)

Gene: MYH6 (myosin heavy chain 6; minus strand). Cytogenetic location: 14q11.2.
Variant type: single nucleotide variant.
Coding change: c.3127G>A on transcript NM_002471.4 (MANE Select); coding-DNA position 3127, G replaced by A.
Protein change: p.Glu1043Lys; replaces glutamic acid 1043 with lysine.
Molecular consequence: missense variant.
Genome position (GRCh38, 1-based): chr14:23,393,036, C>T on the plus strand (G>A on the coding strand, the complement: MYH6 is on the minus strand). VCF-style: chr14-23393036-C-T. GRCh37 (hg19) VCF-style: chr14-23862245-C-T.
Other names: short protein forms E1043K.
Identifiers: ClinVar variation 537948 (VCV000537948.8), dbSNP rs560776256, ClinGen allele CA389009766.